The following is an entry in ClinVar:

ClinVar aggregate classification (germline): Uncertain significance (1 of 4 stars; one submission).

Conditions:
Charcot-Marie-Tooth disease axonal type 2F (CMT2F). Also called: CHARCOT-MARIE-TOOTH DISEASE, NEURONAL, TYPE 2F; Charcot-Marie-Tooth Neuropathy Type 2F. Identifiers: Orphanet 99940, MedGen C1847823, MONDO:0011687, OMIM 606595.

Submission:

Labcorp Genetics (formerly Invitae), Labcorp
Classification: Uncertain significance for Charcot-Marie-Tooth disease axonal type 2F. Last evaluated: 2020-03-10. Review status: criteria provided, single submitter. Criteria: Invitae Variant Classification Sherloc (09022015). Collection method: clinical testing. Allele origin: germline.
Comment: This sequence change creates a premature translational stop signal (p.Phe33*) in the HSPB1 gene. It is expected to result in an absent or disrupted protein product. This variant is not present in population databases (ExAC no frequency). This variant has not been reported in the literature in individuals with HSPB1-related conditions. Algorithms developed to predict the effect of sequence changes on RNA splicing suggest that this variant may create or strengthen a splice site, but this prediction has not been confirmed by published transcriptional studies. The current clinical and genetic evidence is not sufficient to establish whether loss-of-function variants in HSPB1 cause disease. In summary, the available evidence is currently insufficient to determine the role of this variant in disease. Therefore, it has been classified as a Variant of Uncertain Significance.

NM_001540.5(HSPB1):c.74_95dup (p.Ala32_Phe33insTer)

Gene: HSPB1 (heat shock protein family B (small) member 1; plus strand). Cytogenetic location: 7q11.23.
Variant type: Duplication.
Coding change: c.74_95dup on transcript NM_001540.5 (MANE Select); coding-DNA positions 74 to 95, 22 bases duplicated (ATAGCCGCCTCTTCGACCAGGC).
Protein change: p.Ala32_Phe33insTer.
Molecular consequence: nonsense, inframe insertion.
Genome position (GRCh38, 1-based): chr7:76,302,786-76,302,807, ATAGCCGCCTCTTCGACCAGGC duplicated; duplicating any 22 consecutive bases within chr7:76,302,784-76,302,807 gives the same sequence; the c. name uses the placement nearest the transcript's 3' end. VCF-style (leftmost placement, unchanged base first): chr7-76302783-C-CGCATAGCCGCCTCTTCGACCAG. GRCh37 (hg19) VCF-style: chr7-75932100-C-CGCATAGCCGCCTCTTCGACCAG.
Identifiers: ClinVar variation 1062122 (VCV001062122.7), dbSNP rs2117157815, ClinGen allele CA2499219016.
Genomic context (GRCh38, chr7:76,302,783, plus strand): 5'-GCCGCGTCCCCTTCTCGCTCCTGCGGGGCCCCAGCTGGGACCCCTTCCGCGACTGGTACC[C>CGCATAGCCGCCTCTTCGACCAG]GCATAGCCGCCTCTTCGACCAGGCCTTCGGGCTGCCCCGGCTGCCGGAGGAGTGGTCGCA-3'